The following is an entry in ClinVar:

NM_031892.3(SH3KBP1):c.163-945A>G

Gene: SH3KBP1 (SH3 domain containing kinase binding protein 1; minus strand). Cytogenetic location: Xp22.12.
Variant type: single nucleotide variant.
Coding change: c.163-945A>G on transcript NM_031892.3 (MANE Select); 945 bases into the intron before coding-DNA position 163, A replaced by G.
Molecular consequence: intron variant.
Genome position (GRCh38, 1-based): chrX:19,747,386, T>C on the plus strand (A>G on the coding strand, the complement: SH3KBP1 is on the minus strand). VCF-style: chrX-19747386-T-C. GRCh37 (hg19) VCF-style: chrX-19765504-T-C.
Other names: c.163-945A>G (NM_001353890.2, NM_001353892.2, NM_001353891.2 and 2 more transcripts); c.-15-945A>G (NM_001353894.2, NM_001353893.2, NM_001353895.2 and 1 more transcripts); c.52-945A>G (NM_001024666.3).
Identifiers: ClinVar variation 2660135 (VCV002660135.24), dbSNP rs746364371, ClinGen allele CA327429450.
Genomic context (GRCh38, chrX:19,747,386, plus strand): 5'-CTGTATACAGGAATTCCCCCCAAAGGAGTAAGGATTTTCTAGGCTTGTCTGAATCCATAA[T>C]CACAGTAACTTGGGGAAAAGTGAAAGCTTAGGGGCTGACCCAAAGCATGGCTGAATGGCA-3'

ClinVar aggregate classification (germline): Likely benign (1 of 4 stars; one submission).

Allele frequency attached by ClinVar (database versions not stated): TOPMed 0.00005; gnomAD 0.00014; 1000 Genomes Project 30x 0.00062; 1000 Genomes Project 0.00079.
gnomAD v4.1: 15 of 111,789 alleles (0.013%); highest among the groups gnomAD compares: South Asian, 0.3%; no homozygotes.

Submission:

CeGaT Center for Human Genetics Tuebingen
Classification: Likely benign. Last evaluated: 2023-01-01. Review status: criteria provided, single submitter. Criteria: CeGaT Center For Human Genetics Tuebingen Variant Classification Criteria Version 2. Collection method: clinical testing. Allele origin: germline. Affected: yes. Observed: 1 variant allele.
Comment: SH3KBP1: BS2